The following is an entry in ClinVar:

NM_020987.5(ANK3):c.11341_11343del (p.Phe3781del)

Gene: ANK3 (ankyrin 3; minus strand). Cytogenetic location: 10q21.2.
Variant type: Deletion.
Coding change: c.11341_11343del on transcript NM_020987.5 (MANE Select); coding-DNA positions 11341 to 11343, 3 bases deleted (TTT; older notation c.11341_11343delTTT).
Protein change: p.Phe3781del; deletes phenylalanine 3781.
Molecular consequence: inframe deletion. On other transcripts: intron variant (4).
Genome position (GRCh38, 1-based): chr10:60,069,538-60,069,540, AAA deleted on the plus strand (TTT on the coding strand, the reverse complement: ANK3 is on the minus strand); deleting any 3 consecutive bases within chr10:60,069,538-60,069,541 gives the same sequence; the c. name uses the placement nearest the transcript's 3' end. VCF-style (leftmost placement, unchanged base first): chr10-60069537-GAAA-G. GRCh37 (hg19) VCF-style: chr10-61829295-GAAA-G.
Other names: c.4388-1531_4388-1529del (NM_001204403.2); c.4409-1531_4409-1529del (NM_001204404.2); c.4406-1531_4406-1529del (NM_001320874.2); c.1808-1531_1808-1529del (NM_001149.4); short protein forms F3781del.
Identifiers: ClinVar variation 3369479 (VCV003369479.1).

ClinVar aggregate classification (germline): Uncertain significance (1 of 4 stars; one submission).

Submission:

GeneDx
Classification: Uncertain significance. Last evaluated: 2024-02-20. Review status: criteria provided, single submitter. Criteria: GeneDx Variant Classification Process June 2021. Collection method: clinical testing. Allele origin: germline. Affected: yes.
Comment: In-frame deletion of 1 amino acid in a non-repeat region; Not observed at significant frequency in large population cohorts (gnomAD); In silico analysis supports a deleterious effect on protein structure/function; Has not been previously published as pathogenic or benign to our knowledge